The following is an entry in ClinVar:

ClinVar aggregate classification (germline): Conflicting classifications of pathogenicity. Review status: criteria provided, conflicting classifications (1 of 4 stars). 13 submissions from 13 submitters: Uncertain significance (11); Likely benign (2). Last evaluated 2026-04-24.

Conditions:
Hereditary cancer-predisposing syndrome. Also called: Neoplastic Syndromes, Hereditary; Hereditary neoplastic syndrome; Tumor predisposition; Hereditary Cancer Syndrome. Identifiers: Orphanet 140162, MedGen C0027672, MeSH D009386, MONDO:0015356.
Hereditary nonpolyposis colorectal neoplasms. Identifiers: MedGen C0009405, MeSH D003123.
Lynch syndrome. Identifiers: Orphanet 144, MedGen C4552100, MONDO:0005835. Disease mechanism: loss of function.
Lynch syndrome 5 (LYNCH5). Also called: Colorectal cancer, hereditary nonpolyposis, type 5; Hereditary non-polyposis colorectal cancer, type 5. Identifiers: Orphanet 144, MedGen C1833477, MONDO:0013710, OMIM 614350. Disease mechanism: loss of function.
Endometrial carcinoma. Also called: Endometrial carcinoma, somatic. Identifiers: MedGen C0476089, MONDO:0002447, OMIM 608089, HP:0012114.

Allele frequency attached by ClinVar (database versions not stated): gnomAD exomes below 0.00001 and 0.00001; gnomAD 0.00002.

Submissions (13):

Dasa
Classification: Uncertain significance. Last evaluated: 2026-04-24. Review status: criteria provided, single submitter. Criteria: DASA Assertion Criteria. Collection method: clinical testing. Allele origin: germline.
Comment: NM_000179.3(MSH6):c.166_171dup (p.Gly56_Pro57dup) is an in-frame duplication predicted to duplicate amino acids from glycine at protein position 56 through proline at protein position 57 without shifting the reading frame. This variant is rare in population databases. The currently available literature and clinical evidence are not sufficient to establish a definitive association between this variant and the reported condition. Therefore, this variant is classified as a variant of uncertain significance.

Labcorp Genetics (formerly Invitae), Labcorp
Classification: Likely benign for Hereditary nonpolyposis colorectal neoplasms. Last evaluated: 2025-12-30. Review status: criteria provided, single submitter. Criteria: Invitae Variant Classification Sherloc (09022015). Collection method: clinical testing. Allele origin: germline.

Department of Clinical Genetics, Copenhagen University Hospital, Rigshospitalet
Classification: Uncertain significance for Lynch syndrome. Last evaluated: 2025-12-10. Review status: criteria provided, single submitter. Criteria: ACMG Guidelines, 2015. Collection method: clinical testing. Allele origin: germline.
Comment: Curently no ACMG MSH6 gene-specific criteria can be used. The variant has been observed in homozygote carrier(s) without a CMMRD phenotype (ClinVar Accession: SCV006089341.1)

Women's Health and Genetics/Laboratory Corporation of America, LabCorp
Classification: Uncertain significance. Last evaluated: 2025-09-19. Review status: criteria provided, single submitter. Criteria: LabCorp Variant Classification Summary - May 2015. Collection method: clinical testing. Allele origin: germline.
Comment: Variant summary: MSH6 c.166_171dupGGGCCC (p.Gly56_Pro57dup) results in an in-frame duplication that is predicted to duplicate two amino acids into the encoded protein. The variant allele was found at a frequency of 5.9e-06 in 169852 control chromosomes. The available data on variant occurrences in the general population are insufficient to allow any conclusion about variant significance. To our knowledge, no occurrence of c.166_171dupGGGCCC in individuals affected with MSH6-related conditions and no experimental evidence demonstrating its impact on protein function have been reported. ClinVar contains an entry for this variant (Variation ID: 184901). Based on the evidence outlined above, the variant was classified as uncertain significance.

Ambry Genetics
Classification: Uncertain significance for Hereditary cancer-predisposing syndrome. Last evaluated: 2025-09-03. Review status: criteria provided, single submitter. Criteria: Ambry Variant Classification Scheme 2023. Collection method: clinical testing. Allele origin: germline.
Comment: The c.166_171dupGGGCCC variant (also known as p.G56_P57dup), located in coding exon 1 of the MSH6 gene, results from an in-frame duplication of GGGCCC at nucleotide positions 166 to 171. This results in the duplication of 2 residues (GP) between codons 56 and 57. This amino acid region is not well conserved in available vertebrate species. In addition, this alteration is predicted to be neutral by in silico analysis (Choi Y et al. PLoS ONE. 2012; 7(10):e46688). Based on the available evidence, the clinical significance of this variant remains unclear.

Center for Genomic Medicine, Rigshospitalet, Copenhagen University Hospital
Classification: Uncertain significance. Last evaluated: 2025-03-04. Review status: criteria provided, single submitter. Criteria: ACMG Guidelines, 2015. Collection method: clinical testing. Allele origin: germline.

Myriad Genetics, Inc.
Classification: Likely benign for Lynch syndrome 5. Last evaluated: 2024-12-17. Review status: criteria provided, single submitter. Criteria: Myriad Autosomal Dominant, Autosomal Recessive and X-Linked Classification Criteria (2023). Collection method: clinical testing. Allele origin: unknown.
Comment: This variant is considered likely benign. Homozygosity for this variant has been confirmed in one or more individuals lacking clinical features consistent with gene-specific recessive disease, indicating that this variant is unlikely to be pathogenic.

Quest Diagnostics Nichols Institute San Juan Capistrano
Classification: Uncertain significance. Last evaluated: 2024-10-02. Review status: criteria provided, single submitter. Criteria: Quest Diagnostics criteria. Collection method: clinical testing. Allele origin: unknown.
Comment: The MSH6 c.166_171dup (p.Gly56_Pro57dup) variant results in an in-frame duplication of two amino acids of the MSH6 protein. This variant not been reported in individuals with MSH6-related conditions in the published literature. The frequency of this variant in the general population, 0.0000099 (2/201112 chromosomes (Genome Aggregation Database)), is uninformative in the assessment of its pathogenicity. Based on the available information, we are unable to determine the clinical significance of this variant.

Color Diagnostics, LLC DBA Color Health
Classification: Uncertain significance for Hereditary cancer-predisposing syndrome. Last evaluated: 2024-01-31. Review status: criteria provided, single submitter. Criteria: ACMG Guidelines, 2015. Collection method: clinical testing. Allele origin: germline.
Comment: This variant causes an in-frame duplication of two amino acids of the MSH6 protein. To our knowledge, functional studies have not been reported for this variant. This variant has not been reported in individuals affected with MSH6-related disorders in the literature. This variant has been identified in 2/201112 chromosomes in the general population by the Genome Aggregation Database (gnomAD). The available evidence is insufficient to determine the role of this variant in disease conclusively. Therefore, this variant is classified as a Variant of Uncertain Significance.

GeneDx
Classification: Uncertain significance. Last evaluated: 2023-12-13. Review status: criteria provided, single submitter. Criteria: GeneDx Variant Classification Process June 2021. Collection method: clinical testing. Allele origin: germline. Affected: yes.
Comment: In-frame duplication of 2 amino acids in a non-repeat region; Not observed at significant frequency in large population cohorts (gnomAD); Has not been previously published as pathogenic or benign to our knowledge

All of Us Research Program, National Institutes of Health
Classification: Uncertain significance for Lynch syndrome. Last evaluated: 2023-11-30. Review status: criteria provided, single submitter. Criteria: ACMG Guidelines, 2015. Collection method: clinical testing. Allele origin: germline. Inheritance: Autosomal dominant inheritance. Observed: 2 variant alleles, 2 heterozygotes.
Comment: This variant causes an in-frame duplication of two amino acids of the MSH6 protein. Splice site prediction tools suggest that this variant may not impact RNA splicing. To our knowledge, functional studies have not been performed for this variant. This variant has not been reported in individuals affected with hereditary cancer in the literature. This variant has been identified in 2/201112 chromosomes in the general population by the Genome Aggregation Database (gnomAD). The available evidence is insufficient to determine the role of this variant in disease conclusively. Therefore, this variant is classified as a Variant of Uncertain Significance.

This study involves interpretation of variants in research participants for the purpose of population health screening. Participant phenotype was not available at the time of variant classification. Additional details can be found in publication PMID: 35346344, PMCID: PMC8962531

Baylor Genetics
Classification: Uncertain significance for Endometrial carcinoma. Last evaluated: 2023-09-15. Review status: criteria provided, single submitter. Criteria: ACMG Guidelines, 2015. Collection method: clinical testing. Allele origin: unknown.

Mayo Clinic Laboratories, Mayo Clinic
Classification: Uncertain significance. Last evaluated: 2022-03-16. Review status: criteria provided, single submitter. Criteria: ACMG Guidelines, 2015. Collection method: clinical testing. Allele origin: germline. Observed: 2 variant alleles.
Comment: PM2, PM4

NM_000179.3(MSH6):c.166_171dup (p.54GP[3])

Gene: MSH6 (mutS homolog 6; plus strand). Cytogenetic location: 2p16.3.
Variant type: Duplication.
Coding change: c.166_171dup on transcript NM_000179.3 (MANE Select); coding-DNA positions 166 to 171, 6 bases duplicated (GGGCCC; older notation c.166_171dupGGGCCC).
Protein change: p.54GP[3].
Molecular consequence: inframe insertion. On other transcripts: 5 prime UTR variant (1).
Genome position (GRCh38, 1-based): chr2:47,783,399-47,783,404, GGGCCC duplicated. VCF-style (leftmost placement, unchanged base first): chr2-47783398-T-TGGGCCC. GRCh37 (hg19) VCF-style: chr2-48010537-T-TGGGCCC.
Other names: p.Gly56_Pro57dup; c.166_171dupGGGCCC (NM_000179.2, NM_000179.3); c.166_171dup, p.54GP[3] (NM_001281492.2); c.-571_-566dup (NM_001281493.2).
Identifiers: ClinVar variation 184901 (VCV000184901.41), dbSNP rs786201776, ClinGen allele CA190421.